The following is an entry in ClinVar:

ClinVar aggregate classification (germline): Uncertain significance (1 of 4 stars; one submission).

Conditions:
Charcot-Marie-Tooth disease axonal type 2U. Also called: CHARCOT-MARIE-TOOTH NEUROPATHY, TYPE 2U; CHARCOT-MARIE-TOOTH DISEASE, AXONAL, AUTOSOMAL DOMINANT, TYPE 2U. Identifiers: Orphanet 397735, MedGen C4084821, MONDO:0014566, OMIM 616280.

gnomAD v4.1: 1 of 1,613,680 alleles (0.000062%); no homozygotes.

Submission:

3billion
Classification: Uncertain significance for Charcot-Marie-Tooth disease axonal type 2U. Last evaluated: 2024-09-26. Review status: criteria provided, single submitter. Criteria: ACMG Guidelines, 2015. Collection method: clinical testing. Allele origin: germline. Affected: yes.
Comment: The variant is observed at an extremely low frequency in the gnomAD v4.0.0 dataset (total allele frequency: <0.001%). Predicted Consequence/Location: Missense variant In silico tool predictions suggest no damaging effect of the variant on gene or gene product [REVEL: 0.34 (<0.4); 3Cnet: 0.00 (<0.15, specificity 0.78 and negative predictive value 0.92)]. Therefore, this variant is classified as VUS according to the recommendation of ACMG/AMP guideline.

NM_004990.4(MARS1):c.511A>T (p.Ser171Cys)

Gene: MARS1 (methionyl-tRNA synthetase 1; plus strand). Cytogenetic location: 12q13.3.
Variant type: single nucleotide variant.
Coding change: c.511A>T on transcript NM_004990.4 (MANE Select); coding-DNA position 511, A replaced by T.
Protein change: p.Ser171Cys; replaces serine 171 with cysteine.
Molecular consequence: missense variant.
Genome position (GRCh38, 1-based): chr12:57,490,227, A>T. VCF-style: chr12-57490227-A-T. GRCh37 (hg19) VCF-style: chr12-57884010-A-T.
Other names: short protein forms S171C.
Identifiers: ClinVar variation 4293658 (VCV004293658.1).